The following is an entry in ClinVar:

NM_006231.4(POLE):c.104_105del (p.Leu35fs)

Gene: POLE (DNA polymerase epsilon, catalytic subunit; minus strand). Cytogenetic location: 12q24.33.
Variant type: Deletion.
Coding change: c.104_105del on transcript NM_006231.4 (MANE Select); coding-DNA positions 104 to 105, 2 bases deleted (TG; older notation c.104_105delTG).
Protein change: p.Leu35fs; shifts the reading frame from leucine 35.
Molecular consequence: frameshift variant.
Genome position (GRCh38, 1-based): chr12:132,681,237-132,681,238, CA deleted on the plus strand (TG on the coding strand, the reverse complement: POLE is on the minus strand). VCF-style (leftmost placement, unchanged base first): chr12-132681236-CCA-C. GRCh37 (hg19) VCF-style: chr12-133257822-CCA-C.
Other names: short protein forms L35fs.
Identifiers: ClinVar variation 1042344 (VCV001042344.8), dbSNP rs1565981717, ClinGen allele CA608514553.

ClinVar aggregate classification (germline): Pathogenic (1 of 4 stars; one submission).

Allele frequency attached by ClinVar (database versions not stated): gnomAD exomes below 0.00001.

Submission:

Labcorp Genetics (formerly Invitae), Labcorp
Classification: Pathogenic. Last evaluated: 2024-04-17. Review status: criteria provided, single submitter. Criteria: Invitae Variant Classification Sherloc (09022015). Collection method: clinical testing. Allele origin: germline.
Comment: This sequence change creates a premature translational stop signal (p.Leu35Argfs*8) in the POLE gene. It is expected to result in an absent or disrupted protein product. Loss-of-function variants in POLE are known to be pathogenic (PMID: 23230001, 25948378, 30503519). This variant is present in population databases (no rsID available, gnomAD 0.006%). This variant has not been reported in the literature in individuals affected with POLE-related conditions. ClinVar contains an entry for this variant (Variation ID: 1042344). For these reasons, this variant has been classified as Pathogenic.

Literature cited by the submitters: PubMed 23230001; PubMed 25948378; PubMed 30503519.